The following is an entry in ClinVar:

ClinVar aggregate classification (germline): Uncertain significance. Review status: criteria provided, single submitter (1 of 4 stars). 2 submissions from 2 submitters: Uncertain significance (1). 1 of the submissions does not count toward it. Last evaluated 2022-08-23.

Conditions:
Nemaline myopathy 2 (NEM2). Also called: Nemaline myopathy 2, autosomal recessive. Identifiers: MedGen C1850569, MONDO:0009725, OMIM 256030.

Submissions (2):

Labcorp Genetics (formerly Invitae), Labcorp
Classification: Uncertain significance for Nemaline myopathy 2. Last evaluated: 2022-08-23. Review status: criteria provided, single submitter. Criteria: Invitae Variant Classification Sherloc (09022015). Collection method: clinical testing. Allele origin: germline.
Comment: In summary, the available evidence is currently insufficient to determine the role of this variant in disease. Therefore, it has been classified as a Variant of Uncertain Significance. This variant, c.24367_24369dup, results in the insertion of 1 amino acid(s) of the NEB protein (p.Met8123dup), but otherwise preserves the integrity of the reading frame. This variant is present in population databases (rs769252768, gnomAD 0.03%). This variant has not been reported in the literature in individuals affected with NEB-related conditions. ClinVar contains an entry for this variant (Variation ID: 552784). Experimental studies and prediction algorithms are not available or were not evaluated, and the functional significance of this variant is currently unknown.

Counsyl
Classification: Uncertain significance for Nemaline myopathy 2. Last evaluated: 2017-07-06. Review status: no assertion criteria provided. Collection method: clinical testing. Allele origin: unknown. Not counted in ClinVar's aggregate classification.

NM_001164508.2(NEB):c.24262_24264dup (p.Met8088dup)

Genes: NEB (nebulin; minus strand), RIF1 (replication timing regulatory factor 1; plus strand). Cytogenetic location: 2q23.3.
Variant type: Duplication.
Coding change: c.24262_24264dup on transcript NM_001164508.2 (MANE Select); coding-DNA positions 24262 to 24264, 3 bases duplicated (ATG; older notation c.24262_24264dupATG).
Protein change: p.Met8088dup; duplicates methionine 8088.
Molecular consequence: inframe insertion. On other transcripts: intron variant (1).
Genome position (GRCh38, 1-based): chr2:151,497,662-151,497,664, CAT duplicated on the plus strand (ATG on the coding strand, the reverse complement: NEB is on the minus strand); duplicating any 3 consecutive bases within chr2:151,497,662-151,497,665 gives the same sequence; the c. name uses the placement nearest the transcript's 3' end. VCF-style (leftmost placement, unchanged base first): chr2-151497661-C-CCAT. GRCh37 (hg19) VCF-style: chr2-152354175-C-CCAT.
Other names: c.24367_24369dupATG (NM_001271208.1); c.24262_24264dup, p.Met8088dup (NM_001164507.2); c.24367_24369dup, p.Met8123dup (NM_001271208.2); c.18826-1296_18826-1294dup (NM_004543.5).
Identifiers: ClinVar variation 552784 (VCV000552784.9), dbSNP rs769252768, ClinGen allele CA1906114.
Genomic context (GRCh38, chr2:151,497,661, plus strand): 5'-TTTTTTTCTTTTCTTGCCAAAGTACCGAGCTAATATTTTCTTGATTGTGTTTGACTCTTT[C>CCAT]CATCTCGGGAGTGACAGGTAAAGGGGTTCCCTTGCCCATGTTTTCTTTGTATAACACCTG-3'